The following is an entry in ClinVar:

ClinVar aggregate classification (germline): Uncertain significance. Review status: criteria provided, multiple submitters, no conflicts (2 of 4 stars). 2 submissions from 2 submitters: Uncertain significance (2). Last evaluated 2025-09-27.

Conditions:
Inborn genetic diseases. Identifiers: MedGen C0950123, MeSH D030342.
RIN2-related disorder. Also called: RIN2-related condition.

gnomAD v4.1: 65 of 1,604,898 alleles (0.0041%); highest among the groups gnomAD compares: Non-Finnish European, 0.0048%; no homozygotes.

Submissions (2):

Ambry Genetics
Classification: Uncertain significance for Inborn genetic diseases. Last evaluated: 2025-09-27. Review status: criteria provided, single submitter. Criteria: Ambry Variant Classification Scheme 2023. Collection method: clinical testing. Allele origin: germline.

PreventionGenetics, part of Exact Sciences
Classification: Uncertain significance for RIN2-related condition. Last evaluated: 2023-09-13. Review status: criteria provided, single submitter. Criteria: ACMG Guidelines, 2015. Collection method: clinical testing. Allele origin: germline.
Comment: The RIN2 c.253G>A variant is predicted to result in the amino acid substitution p.Val85Met. To our knowledge, this variant has not been reported in the literature. This variant is reported in 0.0041% of alleles in individuals of European (Non-Finnish) descent in gnomAD. At this time, the clinical significance of this variant is uncertain due to the absence of conclusive functional and genetic evidence.

NM_018993.4(RIN2):c.106G>A (p.Val36Met)

Gene: RIN2 (Ras and Rab interactor 2; plus strand). Cytogenetic location: 20p11.23.
Variant type: single nucleotide variant.
Coding change: c.106G>A on transcript NM_018993.4 (MANE Select); coding-DNA position 106, G replaced by A.
Protein change: p.Val36Met; replaces valine 36 with methionine.
Molecular consequence: missense variant. On other transcripts: 5 prime UTR variant (1).
Genome position (GRCh38, 1-based): chr20:19,935,147, G>A. VCF-style: chr20-19935147-G-A. GRCh37 (hg19) VCF-style: chr20-19915791-G-A.
Other names: c.253G>A, p.Val85Met (NM_001242581.2); c.-440G>A (NM_001378238.1); c.106G>A (NM_018993.3); short protein forms V36M, V85M.
Identifiers: ClinVar variation 2635057 (VCV002635057.2), dbSNP rs765060059, ClinGen allele CA312912927.